The following is an entry in ClinVar:

NM_000530.8(MPZ):c.112G>T (p.Val38Phe)

Gene: MPZ (myelin protein zero; minus strand). Cytogenetic location: 1q23.3.
Variant type: single nucleotide variant.
Coding change: c.112G>T on transcript NM_000530.8 (MANE Select); coding-DNA position 112, G replaced by T.
Protein change: p.Val38Phe; replaces valine 38 with phenylalanine.
Molecular consequence: missense variant.
Genome position (GRCh38, 1-based): chr1:161,307,380, C>A on the plus strand (G>T on the coding strand, the complement: MPZ is on the minus strand). VCF-style: chr1-161307380-C-A. GRCh37 (hg19) VCF-style: chr1-161277170-C-A.
Other names: c.112G>T, p.Val38Phe (NM_001315491.2); short protein forms V38F.
Identifiers: ClinVar variation 1676219 (VCV001676219.2), dbSNP rs2102260135, ClinGen allele CA343351469.
Genomic context (GRCh38, chr1:161,307,380, plus strand): 5'-CCCACTCACTGGACCAGAAGGAGCAGTGCAGGGTCACCCGGGAGCCCACAGCACCATGGA[C>A]CTCCCTGTCGGTGTAAACCACGATGGCCTGGGCCGGGGACAGCACTGCAAGCACAAAGTG-3'
Protein context (NP_000521.2, residues 28-48): QAIVVYTDRE[Val38Phe]HGAVGSRVTL

ClinVar aggregate classification (germline): Uncertain significance (1 of 4 stars; one submission).

Conditions:
Charcot-Marie-Tooth disease dominant intermediate D. Also called: CHARCOT-MARIE-TOOTH NEUROPATHY, DOMINANT INTERMEDIATE D; Charcot-Marie-Tooth disease dominant intermediate 3; CMT DI3. Identifiers: Orphanet 100046, MedGen C1843075, MONDO:0011909, OMIM 607791.

Submission:

Molecular Genetics, Royal Melbourne Hospital
Classification: Uncertain significance for Charcot-Marie-Tooth disease dominant intermediate D. Last evaluated: 2023-03-30. Review status: criteria provided, single submitter. Criteria: ACMG Guidelines, 2015. Collection method: clinical testing. Allele origin: germline. Affected: yes.
Comment: This sequence change in MPZ is predicted to replace valine with phenylalanine at codon 38, p.(Val38Phe). The valine residue is highly conserved (100 vertebrates, UCSC), and is located in the Ig-like V-type domain in a Charcot-Marie-Tooth disease mutational hotspot, amino acids 35-39 (ClinVar). There is a small physicochemical difference between valine and phenylalanine. This variant is absent from gnomAD v2.1 and v3.1. To our knowledge, this variant has not been reported in the literature in any individuals with neuropathy. Multiple lines of computational evidence have conflicting predictions for the missense substitution (3/6 algorithms predict deleterious). Another missense variant c.113T>A, p.Val38Asp in the same codon with a larger physicochemical difference has been classified as likely pathogenic for Charcot-Marie-Tooth disease (ClinVar Variation ID: 860059). Based on the classification scheme RMH Modified ACMG Guidelines v1.4.0, this variant is classified as a VARIANT OF UNCERTAIN SIGNIFICANCE. Following criteria are met: PM1, PM2_Supporting.